The following is an entry in ClinVar:

ClinVar aggregate classification (germline): Uncertain significance (1 of 4 stars; one submission).

Conditions:
SPTA1-related disorder. Also called: SPTA1-related disorders; SPTA1-related condition.

Submission:

3billion
Classification: Uncertain significance for SPTA1-related disorder. Last evaluated: 2025-12-16. Review status: criteria provided, single submitter. Criteria: ACMG Guidelines, 2015. Collection method: clinical testing. Allele origin: germline. Affected: yes.
Comment: The variant is not observed in the gnomAD v4.1.0 dataset. Predicted Consequence/Location: Missense variant Damaging effect on gene or gene product predicted by in silico programs is uncertain [REVEL: 0.41 (damaging >=0.6, benign <0.4), 3Cnet: 0.33 (damaging >0.75, benign <0.1)]. Therefore, this variant is classified as VUS according to the recommendation of ACMG/AMP guideline.

NM_003126.4(SPTA1):c.6424G>A (p.Glu2142Lys)

Gene: SPTA1 (spectrin alpha, erythrocytic 1; minus strand). Cytogenetic location: 1q23.1.
Variant type: single nucleotide variant.
Coding change: c.6424G>A on transcript NM_003126.4 (MANE Select); coding-DNA position 6424, G replaced by A.
Protein change: p.Glu2142Lys; replaces glutamic acid 2142 with lysine.
Molecular consequence: missense variant.
Genome position (GRCh38, 1-based): chr1:158,619,328, C>T on the plus strand (G>A on the coding strand, the complement: SPTA1 is on the minus strand). VCF-style: chr1-158619328-C-T. GRCh37 (hg19) VCF-style: chr1-158589118-C-T.
Other names: short protein forms E2142K.
Identifiers: ClinVar variation 4855112 (VCV004855112.1).